The following is an entry in ClinVar:

NM_021098.3(CACNA1H):c.4010C>T (p.Ala1337Val)

Gene: CACNA1H (calcium voltage-gated channel subunit alpha1 H; plus strand). Cytogenetic location: 16p13.3.
Variant type: single nucleotide variant.
Coding change: c.4010C>T on transcript NM_021098.3 (MANE Select); coding-DNA position 4010, C replaced by T.
Protein change: p.Ala1337Val; replaces alanine 1337 with valine.
Molecular consequence: missense variant.
Genome position (GRCh38, 1-based): chr16:1,210,623, C>T. VCF-style: chr16-1210623-C-T. GRCh37 (hg19) VCF-style: chr16-1260623-C-T.
Other names: c.4010C>T, p.Ala1337Val (NM_001005407.2); short protein forms A1337V.
Identifiers: ClinVar variation 4788986 (VCV004788986.1).

ClinVar aggregate classification (germline): Uncertain significance (1 of 4 stars; one submission).

Conditions:
Hyperaldosteronism, familial, type IV (HALD4). Also called: FH IV; ALDOSTERONISM, PRIMARY, AND HYPERTENSION. Identifiers: Orphanet 642671, MedGen C4310756, MONDO:0014875, OMIM 617027.
Idiopathic generalized epilepsy. Also called: Generalised epilepsy; EIG. Identifiers: MedGen C0270850, MONDO:0005579, OMIM 600669.

gnomAD v4.1: 8 of 1,606,662 alleles (0.0005%); highest among the groups gnomAD compares: East Asian, 0.011%; no homozygotes.

Submission:

Labcorp Genetics (formerly Invitae), Labcorp
Classification: Uncertain significance for Idiopathic generalized epilepsy; Hyperaldosteronism, familial, type IV. Last evaluated: 2025-10-01. Review status: criteria provided, single submitter. Criteria: Invitae Variant Classification Sherloc (09022015). Collection method: clinical testing. Allele origin: germline.
Comment: This sequence change replaces alanine, which is neutral and non-polar, with valine, which is neutral and non-polar, at codon 1337 of the CACNA1H protein (p.Ala1337Val). This variant is not present in population databases (gnomAD no frequency). This variant has not been reported in the literature in individuals affected with CACNA1H-related conditions. Invitae Evidence Modeling of protein sequence and biophysical properties (such as structural, functional, and spatial information, amino acid conservation, physicochemical variation, residue mobility, and thermodynamic stability) indicates that this missense variant is not expected to disrupt CACNA1H protein function with a negative predictive value of 80%. In summary, the available evidence is currently insufficient to determine the role of this variant in disease. Therefore, it has been classified as a Variant of Uncertain Significance.